The following is an entry in ClinVar:

NM_001353345.2(SETD1B):c.2410G>A (p.Ala804Thr)

Gene: SETD1B (SET domain containing 1B, histone lysine methyltransferase; plus strand). Cytogenetic location: 12q24.31.
Variant type: single nucleotide variant.
Coding change: c.2410G>A on transcript NM_001353345.2 (MANE Select); coding-DNA position 2410, G replaced by A.
Protein change: p.Ala804Thr; replaces alanine 804 with threonine.
Molecular consequence: missense variant.
Genome position (GRCh38, 1-based): chr12:121,814,625, G>A. VCF-style: chr12-121814625-G-A. GRCh37 (hg19) VCF-style: chr12-122252531-G-A.
Other names: short protein forms A804T.
Identifiers: ClinVar variation 4848724 (VCV004848724.1).

ClinVar aggregate classification (germline): Uncertain significance (1 of 4 stars; one submission).

gnomAD v4.1: 4 of 1,544,444 alleles (0.00026%); highest among the groups gnomAD compares: Admixed American, 0.002%; no homozygotes.

Submission:

Women's Health and Genetics/Laboratory Corporation of America, LabCorp
Classification: Uncertain significance. Last evaluated: 2026-04-09. Review status: criteria provided, single submitter. Criteria: LabCorp Variant Classification Summary - May 2015. Collection method: clinical testing. Allele origin: germline.
Comment: Variant summary: SETD1B c.2410G>A (p.Ala804Thr) results in a non-conservative amino acid change in the encoded protein sequence. Algorithms developed to predict the effect of missense changes on protein structure and function are either unavailable or do not agree on the potential impact of this missense change. The frequency data for this variant in gnomAD is considered unreliable, as metrics indicate poor data quality at this position. To our knowledge, no occurrence of c.2410G>A in individuals affected with SETD1B-related conditions and no experimental evidence demonstrating its impact on protein function have been reported. No submitters have cited clinical-significance assessments for this variant to ClinVar. Based on the evidence outlined above, the variant was classified as uncertain significance.